The following is an entry in ClinVar:

NM_004329.3(BMPR1A):c.1167-13T>G

Gene: BMPR1A (bone morphogenetic protein receptor type 1A; plus strand). Cytogenetic location: 10q23.2.
Variant type: single nucleotide variant.
Coding change: c.1167-13T>G on transcript NM_004329.3 (MANE Select); 13 bases into the intron before coding-DNA position 1167, T replaced by G.
Molecular consequence: intron variant.
Genome position (GRCh38, 1-based): chr10:86,921,507, T>G. VCF-style: chr10-86921507-T-G. GRCh37 (hg19) VCF-style: chr10-88681264-T-G.
Identifiers: ClinVar variation 371910 (VCV000371910.5), dbSNP rs1057517581, ClinGen allele CA16042121.

ClinVar aggregate classification (germline): Conflicting classifications of pathogenicity. Review status: criteria provided, conflicting classifications (1 of 4 stars). 3 submissions from 3 submitters: Uncertain significance (1); Likely benign (1). 1 of the submissions does not count toward it. Last evaluated 2025-02-12.

Conditions:
Juvenile polyposis syndrome (JPS). Identifiers: Orphanet 2929, MedGen C0345893, MONDO:0017380, OMIM 174900.

Allele frequency attached by ClinVar (database versions not stated): gnomAD exomes below 0.00001.

Submissions (3):

Labcorp Genetics (formerly Invitae), Labcorp
Classification: Likely benign for Juvenile polyposis syndrome. Last evaluated: 2025-02-12. Review status: criteria provided, single submitter. Criteria: Invitae Variant Classification Sherloc (09022015). Collection method: clinical testing. Allele origin: germline.

Myriad Genetics, Inc.
Classification: Uncertain significance for Juvenile polyposis syndrome. Last evaluated: 2023-03-02. Review status: criteria provided, single submitter. Criteria: Myriad Autosomal Dominant, Autosomal Recessive and X-Linked Classification Criteria (2023). Collection method: clinical testing. Allele origin: unknown.
Comment: This variant is classified as a variant of uncertain significance as there is insufficient evidence to determine its impact on protein function and/or cancer risk.

Counsyl
Classification: Likely benign for Juvenile polyposis syndrome. Last evaluated: 2016-08-03. Review status: no assertion criteria provided. Collection method: clinical testing. Allele origin: unknown. Not counted in ClinVar's aggregate classification.